The following is an entry in ClinVar:

ClinVar aggregate classification (germline): Uncertain significance. Review status: criteria provided, multiple submitters, no conflicts (2 of 4 stars). 2 submissions from 2 submitters: Uncertain significance (2). Last evaluated 2023-03-30.

Conditions:
Hypertrophic cardiomyopathy 11. Also called: ACTC1-Related Familial Hypertrophic Cardiomyopathy. Identifiers: MedGen C2677506, MONDO:0012799, OMIM 612098.
Atrial septal defect 5 (ASD5). Identifiers: Orphanet 1478, MedGen C2748552, MONDO:0013011, OMIM 612794.
Dilated cardiomyopathy 1R (CMD1R). Identifiers: Orphanet 154, Orphanet 54260, MedGen C3150681, MONDO:0013261, OMIM 613424.

Submissions (2):

GeneDx
Classification: Uncertain significance. Last evaluated: 2023-03-30. Review status: criteria provided, single submitter. Criteria: GeneDx Variant Classification Process June 2021. Collection method: clinical testing. Allele origin: germline. Affected: yes.
Comment: Not observed at significant frequency in large population cohorts (gnomAD); In silico analysis supports that this missense variant has a deleterious effect on protein structure/function; Has not been previously published as pathogenic or benign to our knowledge

Labcorp Genetics (formerly Invitae), Labcorp
Classification: Uncertain significance for Dilated cardiomyopathy 1R; Hypertrophic cardiomyopathy 11; Atrial septal defect 5. Last evaluated: 2018-01-14. Review status: criteria provided, single submitter. Criteria: Invitae Variant Classification Sherloc (09022015). Collection method: clinical testing. Allele origin: germline.
Comment: In summary, the available evidence is currently insufficient to determine the role of this variant in disease. Therefore, it has been classified as a Variant of Uncertain Significance. Algorithms developed to predict the effect of missense changes on protein structure and function (SIFT, PolyPhen-2, Align-GVGD) all suggest that this variant is likely to be disruptive, but these predictions have not been confirmed by published functional studies and their clinical significance is uncertain. This variant has not been reported in the literature in individuals with ACTC1-related disease. This variant is not present in population databases (ExAC no frequency). This sequence change replaces histidine with proline at codon 175 of the ACTC1 protein (p.His175Pro). The histidine residue is highly conserved and there is a moderate physicochemical difference between histidine and proline.

NM_005159.5(ACTC1):c.524A>C (p.His175Pro)

Genes: GJD2-DT (GJD2 divergent transcript; plus strand), ACTC1 (actin alpha cardiac muscle 1; minus strand). Cytogenetic location: 15q14.
Variant type: single nucleotide variant.
Coding change: c.524A>C on transcript NM_005159.5 (MANE Select); coding-DNA position 524, A replaced by C.
Protein change: p.His175Pro; replaces histidine 175 with proline.
Molecular consequence: missense variant.
Genome position (GRCh38, 1-based): chr15:34,792,500, T>G on the plus strand (A>C on the coding strand, the complement: ACTC1 is on the minus strand). VCF-style: chr15-34792500-T-G. GRCh37 (hg19) VCF-style: chr15-35084701-T-G.
Other names: c.524A>C (LRG_388t1); short protein forms H175P.
Identifiers: ClinVar variation 566055 (VCV000566055.9), dbSNP rs1566967487, ClinGen allele CA391631041.